The following is an entry in ClinVar:

NM_183357.3(ADCY5):c.1855G>A (p.Glu619Lys)

Gene: ADCY5 (adenylate cyclase 5; minus strand). Cytogenetic location: 3q21.1.
Variant type: single nucleotide variant.
Coding change: c.1855G>A on transcript NM_183357.3 (MANE Select); coding-DNA position 1855, G replaced by A.
Protein change: p.Glu619Lys; replaces glutamic acid 619 with lysine.
Molecular consequence: missense variant.
Genome position (GRCh38, 1-based): chr3:123,327,710, C>T on the plus strand (G>A on the coding strand, the complement: ADCY5 is on the minus strand). VCF-style: chr3-123327710-C-T. GRCh37 (hg19) VCF-style: chr3-123046557-C-T.
Other names: c.805G>A, p.Glu269Lys (NM_001199642.1); c.1855G>A, p.Glu619Lys (NM_001378259.1); short protein forms E619K, E269K.
Identifiers: ClinVar variation 624220 (VCV000624220.48), dbSNP rs571136152, ClinGen allele CA354219270.

ClinVar aggregate classification (germline): Uncertain significance. Review status: criteria provided, multiple submitters, no conflicts (2 of 4 stars). 2 submissions from 2 submitters: Uncertain significance (2). Last evaluated 2021-10-03.

Allele frequency attached by ClinVar (database versions not stated): gnomAD exomes 0.00001 and below 0.00001; TOPMed 0.00001; gnomAD 0.00001.
gnomAD v4.1: 9 of 1,613,906 alleles (0.00056%); highest among the groups gnomAD compares: Admixed American, 0.0017%; no homozygotes.

Submissions (2):

Labcorp Genetics (formerly Invitae), Labcorp
Classification: Uncertain significance. Last evaluated: 2021-10-03. Review status: criteria provided, single submitter. Criteria: Invitae Variant Classification Sherloc (09022015). Collection method: clinical testing. Allele origin: germline.
Comment: This variant is not present in population databases (ExAC no frequency). In summary, the available evidence is currently insufficient to determine the role of this variant in disease. Therefore, it has been classified as a Variant of Uncertain Significance. Advanced modeling of protein sequence and biophysical properties (such as structural, functional, and spatial information, amino acid conservation, physicochemical variation, residue mobility, and thermodynamic stability) performed at Invitae indicates that this missense variant is expected to disrupt ADCY5 protein function. ClinVar contains an entry for this variant (Variation ID: 624220). This variant has not been reported in the literature in individuals affected with ADCY5-related conditions. This sequence change replaces glutamic acid with lysine at codon 619 of the ADCY5 protein (p.Glu619Lys). The glutamic acid residue is highly conserved and there is a small physicochemical difference between glutamic acid and lysine.

CeGaT Center for Human Genetics Tuebingen
Classification: Uncertain significance. Last evaluated: 2018-04-01. Review status: criteria provided, single submitter. Criteria: CeGaT Center For Human Genetics Tuebingen Variant Classification Criteria Version 2. Collection method: clinical testing. Allele origin: germline. Affected: yes. Observed: 1 variant allele.